The following is an entry in ClinVar:

NM_014754.3(PTDSS1):c.247A>C (p.Ile83Leu)

Gene: PTDSS1 (phosphatidylserine synthase 1; plus strand). Cytogenetic location: 8q22.1.
Variant type: single nucleotide variant.
Coding change: c.247A>C on transcript NM_014754.3 (MANE Select); coding-DNA position 247, A replaced by C.
Protein change: p.Ile83Leu; replaces isoleucine 83 with leucine.
Molecular consequence: missense variant. On other transcripts: 5 prime UTR variant (1).
Genome position (GRCh38, 1-based): chr8:96,273,366, A>C. VCF-style: chr8-96273366-A-C. GRCh37 (hg19) VCF-style: chr8-97285594-A-C.
Other names: c.-22A>C (NM_001290225.2); short protein forms I83L.
Identifiers: ClinVar variation 930583 (VCV000930583.3), dbSNP rs1810593860, ClinGen allele CA371753240.

ClinVar aggregate classification (germline): Uncertain significance (1 of 4 stars; one submission).

Conditions:
Lenz-Majewski hyperostosis syndrome (LMHD). Also called: PTDSS1-Related Lenz-Majewski Hyperostotic Dysplasia; Lenz-Majewski hyperostotic dysplasia; Multiple congenital anomalies, mental retardation and progressive skeletal sclerosis; Hyperostotic dwarfism Lenz-Majewski type; LENZ-MAJEWSKI SYNDROME. Identifiers: Orphanet 2658, MedGen C0432269, MONDO:0007892, OMIM 151050.

Submission:

Centre for Mendelian Genomics, University Medical Centre Ljubljana
Classification: Uncertain significance for Lenz-Majewski hyperostosis syndrome. Last evaluated: 2019-10-03. Review status: criteria provided, single submitter. Criteria: ACMG Guidelines, 2015. Collection method: clinical testing. Allele origin: unknown. Affected: yes.
Comment: This variant was classified as: Uncertain significance. The available evidence on this variant's pathogenicity is insufficient or conflicting. The following ACMG criteria were applied in classifying this variant: PM2.